The following is an entry in ClinVar:

NM_172362.3(KCNH1):c.630C>G (p.Ile210Met)

Gene: KCNH1 (potassium voltage-gated channel subfamily H member 1; minus strand). Cytogenetic location: 1q32.2.
Variant type: single nucleotide variant.
Coding change: c.630C>G on transcript NM_172362.3 (MANE Select); coding-DNA position 630, C replaced by G.
Protein change: p.Ile210Met; replaces isoleucine 210 with methionine.
Molecular consequence: missense variant.
Genome position (GRCh38, 1-based): chr1:211,019,185, G>C on the plus strand (C>G on the coding strand, the complement: KCNH1 is on the minus strand). VCF-style: chr1-211019185-G-C. GRCh37 (hg19) VCF-style: chr1-211192527-G-C.
Other names: c.630C>G, p.Ile210Met (NM_002238.4); c.630C>G (NM_172362.2); short protein forms I210M.
Identifiers: ClinVar variation 1357758 (VCV001357758.9), dbSNP rs2102414310, ClinGen allele CA344876422.

ClinVar aggregate classification (germline): Uncertain significance. Review status: criteria provided, multiple submitters, no conflicts (2 of 4 stars). 2 submissions from 2 submitters: Uncertain significance (2). Last evaluated 2024-01-31.

Submissions (2):

GeneDx
Classification: Uncertain significance. Last evaluated: 2024-01-31. Review status: criteria provided, single submitter. Criteria: GeneDx Variant Classification Process June 2021. Collection method: clinical testing. Allele origin: germline. Affected: yes.
Comment: Not observed at significant frequency in large population cohorts (gnomAD); In silico analysis supports that this missense variant does not alter protein structure/function; Has not been previously published as pathogenic or benign to our knowledge

Labcorp Genetics (formerly Invitae), Labcorp
Classification: Uncertain significance. Last evaluated: 2021-06-07. Review status: criteria provided, single submitter. Criteria: Invitae Variant Classification Sherloc (09022015). Collection method: clinical testing. Allele origin: germline.
Comment: Advanced modeling of protein sequence and biophysical properties (such as structural, functional, and spatial information, amino acid conservation, physicochemical variation, residue mobility, and thermodynamic stability) performed at Invitae indicates that this missense variant is expected to disrupt KCNH1 protein function. In summary, the available evidence is currently insufficient to determine the role of this variant in disease. Therefore, it has been classified as a Variant of Uncertain Significance. This variant has not been reported in the literature in individuals with KCNH1-related conditions. This sequence change replaces isoleucine with methionine at codon 210 of the KCNH1 protein (p.Ile210Met). The isoleucine residue is highly conserved and there is a small physicochemical difference between isoleucine and methionine. This variant is not present in population databases (ExAC no frequency).